The following is an entry in ClinVar:

ClinVar aggregate classification (germline): Conflicting classifications of pathogenicity. Review status: criteria provided, conflicting classifications (1 of 4 stars). 5 submissions from 5 submitters: Uncertain significance (4); Likely benign (1). Last evaluated 2026-02-04.

Conditions:
Hereditary breast ovarian cancer syndrome. Also called: BRCA1- and BRCA2-Associated Hereditary Breast and Ovarian Cancer; Hereditary breast and/or ovarian cancer syndrome; Hereditary breast and ovarian cancer syndrome; Hereditary breast and ovarian cancer; Hereditary breast and ovarian cancer syndrome (HBOC); Breast and ovarian cancer. Identifiers: Orphanet 145, MedGen C0677776, MeSH D061325, MONDO:0003582. Disease mechanism: loss of function.
Hereditary cancer-predisposing syndrome. Also called: Hereditary neoplastic syndrome; Neoplastic Syndromes, Hereditary; Tumor predisposition; Hereditary Cancer Syndrome. Identifiers: Orphanet 140162, MedGen C0027672, MeSH D009386, MONDO:0015356.

Submissions (5):

Labcorp Genetics (formerly Invitae), Labcorp
Classification: Uncertain significance for Hereditary breast ovarian cancer syndrome. Last evaluated: 2026-02-04. Review status: criteria provided, single submitter. Criteria: Invitae Variant Classification Sherloc (09022015). Collection method: clinical testing. Allele origin: germline.
Comment: This sequence change replaces proline, which is neutral and non-polar, with arginine, which is basic and polar, at codon 586 of the BRCA1 protein (p.Pro586Arg). This variant is not present in population databases (gnomAD no frequency). This variant has not been reported in the literature in individuals affected with BRCA1-related conditions. ClinVar contains an entry for this variant (Variation ID: 421644). Invitae Evidence Modeling of protein sequence and biophysical properties (such as structural, functional, and spatial information, amino acid conservation, physicochemical variation, residue mobility, and thermodynamic stability) has been performed for this missense variant. However, the output from this modeling did not meet the statistical confidence thresholds required to predict the impact of this variant on BRCA1 protein function. In summary, the available evidence is currently insufficient to determine the role of this variant in disease. Therefore, it has been classified as a Variant of Uncertain Significance.

Color Diagnostics, LLC DBA Color Health
Classification: Uncertain significance for Hereditary cancer-predisposing syndrome. Last evaluated: 2024-02-13. Review status: criteria provided, single submitter. Criteria: ACMG Guidelines, 2015. Collection method: clinical testing. Allele origin: germline.
Comment: This missense variant replaces proline with arginine at codon 586 of the BRCA1 protein. Computational prediction suggests that this variant may not impact protein structure and function. To our knowledge, functional studies have not been reported for this variant. This variant has been reported in a multifactorial analysis with low likelihood ratio for pathogenicity based on family history (PMID: 31853058). This variant has not been identified in the general population by the Genome Aggregation Database (gnomAD). The available evidence is insufficient to determine the role of this variant in disease conclusively. Therefore, this variant is classified as a Variant of Uncertain Significance.

Ambry Genetics
Classification: Uncertain significance for Hereditary cancer-predisposing syndrome. Last evaluated: 2023-06-14. Review status: criteria provided, single submitter. Criteria: Ambry Variant Classification Scheme 2023. Collection method: clinical testing. Allele origin: germline.
Comment: The p.P586R variant (also known as c.1757C>G), located in coding exon 9 of the BRCA1 gene, results from a C to G substitution at nucleotide position 1757. The proline at codon 586 is replaced by arginine, an amino acid with dissimilar properties. This amino acid position is not well conserved in available vertebrate species. In addition, the in silico prediction for this alteration is inconclusive. Since supporting evidence is limited at this time, the clinical significance of this alteration remains unclear.

University of Washington Department of Laboratory Medicine, University of Washington
Classification: Likely benign for Hereditary cancer-predisposing syndrome. Last evaluated: 2023-03-23. Review status: criteria provided, single submitter. Criteria: Dines et al. (Genet Med. 2020). Collection method: curation. Allele origin: germline.
Comment: Missense variant in a coldspot region where missense variants are very unlikely to be pathogenic (PMID:31911673).

BRCA1 coldspot (exon 11 using historical exon numbering). Reclassification based on statistical prior probability

GeneDx
Classification: Uncertain significance. Last evaluated: 2016-07-07. Review status: criteria provided, single submitter. Criteria: GeneDx Variant Classification (06012015). Collection method: clinical testing. Allele origin: germline. Affected: yes.
Comment: This variant is denoted BRCA1 c.1757C>G at the cDNA level, p.Pro586Arg (P586R) at the protein level, and results in the change of a Proline to an Arginine (CCT>CGT). Using alternate nomenclature, this variant would be defined as BRCA1 1876C>G. This variant has not, to our knowledge, been published in the literature as pathogenic or benign. BRCA1 Pro586Arg was not observed in approximately 6,500 individuals of European and African American ancestry in the NHLBI Exome Sequencing Project, suggesting it is not a common benign variant in these populations. Since Proline and Arginine differ in polarity, charge, size or other properties, this is considered a non-conservative amino acid substitution. BRCA1 Pro586Arg occurs at a position that is not conserved and is located in the DNA binding domain as well as the regions of interaction with RAD50 and STAT1 (Zhong 1999, Ouchi 2000, Narod 2004). In silico analyses are inconsistent regarding the effect this variant may have on protein structure and function. Based on currently available evidence, it is unclear whether BRCA1 Pro586Arg is a pathogenic or benign variant. We consider it to be a variant of uncertain significance.

Literature cited by the submitters: PubMed 31853058 (cited by Color Diagnostics, LLC DBA Color Health).

NM_007294.4(BRCA1):c.1757C>G (p.Pro586Arg)

Gene: BRCA1 (BRCA1 DNA repair associated; minus strand). Cytogenetic location: 17q21.31.
Variant type: single nucleotide variant.
Coding change: c.1757C>G on transcript NM_007294.4 (MANE Select); coding-DNA position 1757, C replaced by G.
Protein change: p.Pro586Arg; replaces proline 586 with arginine.
Molecular consequence: missense variant. On other transcripts: intron variant (137).
Genome position (GRCh38, 1-based): chr17:43,093,774, G>C on the plus strand (C>G on the coding strand, the complement: BRCA1 is on the minus strand). VCF-style: chr17-43093774-G-C. GRCh37 (hg19) VCF-style: chr17-41245791-G-C.
Other names: c.1754C>G, p.Pro585Arg (NM_001407591.1, NM_001407613.1, NM_001407610.1 and 22 more transcripts); c.577+970C>G (NM_001408513.1, NM_001408481.1, NM_001408480.1 and 9 more transcripts); c.520+970C>G (NM_001408503.1, NM_001408505.1, NM_001408504.1); c.523+970C>G (NM_001408500.1, NM_001408497.1, NM_001408496.1 and 3 more transcripts); c.646+970C>G (NM_001408466.1, NM_001408452.1, NM_001408460.1 and 11 more transcripts); c.787+970C>G (NM_001407973.1, NM_001407980.1, NM_001407993.1 and 19 more transcripts); c.460+2072C>G (NM_001408507.1, NM_001408506.1); c.1757C>G, p.Pro586Arg (NM_001407597.1, NM_001407598.1, NM_001407603.1 and 30 more transcripts); and 40 more; short protein forms P586R, P539R, P458R, P516R, P538R, P545R, P474R, P475R.
Identifiers: ClinVar variation 421644 (VCV000421644.13), dbSNP rs1064795270, ClinGen allele CA10598514.